The following is an entry in ClinVar:

ClinVar aggregate classification (germline): Uncertain significance (1 of 4 stars; one submission).

Submission:

Labcorp Genetics (formerly Invitae), Labcorp
Classification: Uncertain significance. Last evaluated: 2022-06-15. Review status: criteria provided, single submitter. Criteria: Invitae Variant Classification Sherloc (09022015). Collection method: clinical testing. Allele origin: germline.
Comment: This variant is not present in population databases (gnomAD no frequency). This sequence change affects a donor splice site in intron 10 of the MICAL1 gene. It is expected to disrupt RNA splicing. Variants that disrupt the donor or acceptor splice site typically lead to a loss of protein function (PMID: 16199547), however the current clinical and genetic evidence is not sufficient to establish whether loss-of-function variants in MICAL1 cause disease. In summary, the available evidence is currently insufficient to determine the role of this variant in disease. Therefore, it has been classified as a Variant of Uncertain Significance. Algorithms developed to predict the effect of sequence changes on RNA splicing suggest that this variant may disrupt the consensus splice site. This variant has not been reported in the literature in individuals affected with MICAL1-related conditions.

Literature cited by the submitters: PubMed 16199547.

NM_022765.4(MICAL1):c.1434+2T>G

Gene: MICAL1 (microtubule associated monooxygenase, calponin and LIM domain containing 1; minus strand). Cytogenetic location: 6q21.
Variant type: single nucleotide variant.
Coding change: c.1434+2T>G on transcript NM_022765.4 (MANE Select); the canonical splice donor site of the intron after coding-DNA position 1434, T replaced by G.
Molecular consequence: splice donor variant.
Genome position (GRCh38, 1-based): chr6:109,449,655, A>C on the plus strand (T>G on the coding strand, the complement: MICAL1 is on the minus strand). VCF-style: chr6-109449655-A-C. GRCh37 (hg19) VCF-style: chr6-109770858-A-C.
Other names: c.1491+2T>G (NM_001286613.2); c.1176+2T>G (NM_001159291.2).
Identifiers: ClinVar variation 2007283 (VCV002007283.4), dbSNP rs2482796116, ClinGen allele CA365229852.
Genomic context (GRCh38, chr6:109,449,655, plus strand): 5'-GGGCCTGACCTGGGGGAAGGGGGTTGGCTTGGGAAGGCTGGTGGGTGTGTCGGGGGTCTG[A>C]CCTGATTGGGGGTCACTGCCCGGAGGTTCAGGTTGGGGTAGCGGGTGGCTGGGTCCAGCC-3'